The following is an entry in ClinVar:

NM_004333.6(BRAF):c.1178-1954dup

Gene: BRAF (B-Raf proto-oncogene, serine/threonine kinase; minus strand). Cytogenetic location: 7q34.
Variant type: Duplication.
Coding change: c.1178-1954dup on transcript NM_004333.6 (MANE Select); 1954 bases into the intron before coding-DNA position 1178, one base duplicated (A; older notation c.1178-1954dupA).
Molecular consequence: intron variant.
Genome position (GRCh38, 1-based): chr7:140,785,111, T duplicated on the plus strand (A on the coding strand, the reverse complement: BRAF is on the minus strand); the first of 8 consecutive T bases (chr7:140,785,111-140,785,118); duplicating any one gives the same sequence. VCF-style (leftmost placement, unchanged base first): chr7-140785110-C-CT. GRCh37 (hg19) VCF-style: chr7-140484910-C-CT.
Other names: c.1178-1954dup (NM_001378474.1, NM_001378468.1, NM_001354609.2); c.1076-1954dup (NM_001378470.1); c.914-1954dup (NM_001378475.1); c.1141-2028dup (NM_001378471.1); c.1297+578dup (NM_001374258.1, NM_001374244.1); c.1187-1954dup (NM_001378467.1); c.1022-1954dup (NM_001378472.1, NM_001378473.1); c.1178-2020dup (NM_001378469.1).
Identifiers: ClinVar variation 2658035 (VCV002658035.24), dbSNP rs527533092, ClinGen allele CA168092826.

ClinVar aggregate classification (germline): Likely benign (1 of 4 stars; one submission).

Submission:

CeGaT Center for Human Genetics Tuebingen
Classification: Likely benign. Last evaluated: 2026-07-01. Review status: criteria provided, single submitter. Criteria: CeGaT Center For Human Genetics Tuebingen Variant Classification Criteria Version 2. Collection method: clinical testing. Allele origin: germline. Affected: yes. Observed: 4 variant alleles.
Comment: BRAF: BS1